The following is an entry in ClinVar:

ClinVar aggregate classification (germline): Likely pathogenic (1 of 4 stars; one submission).

Submission:

Labcorp Genetics (formerly Invitae), Labcorp
Classification: Likely pathogenic. Last evaluated: 2022-09-26. Review status: criteria provided, single submitter. Criteria: Invitae Variant Classification Sherloc (09022015). Collection method: clinical testing. Allele origin: germline.
Comment: This variant has not been reported in the literature in individuals affected with C8B-related conditions. This sequence change affects a donor splice site in intron 2 of the C8B gene. It is expected to disrupt RNA splicing. Variants that disrupt the donor or acceptor splice site typically lead to a loss of protein function (PMID: 16199547), and loss-of-function variants in C8B are known to be pathogenic (PMID: 7594510). This variant is not present in population databases (gnomAD no frequency). Algorithms developed to predict the effect of sequence changes on RNA splicing suggest that this variant may disrupt the consensus splice site. In summary, the currently available evidence indicates that the variant is pathogenic, but additional data are needed to prove that conclusively. Therefore, this variant has been classified as Likely Pathogenic.

Literature cited by the submitters: PubMed 16199547; PubMed 7594510.

NM_000066.4(C8B):c.249+2T>A

Gene: C8B (complement C8 beta chain; minus strand). Cytogenetic location: 1p32.2.
Variant type: single nucleotide variant.
Coding change: c.249+2T>A on transcript NM_000066.4 (MANE Select); the canonical splice donor site of the intron after coding-DNA position 249, T replaced by A.
Molecular consequence: splice donor variant.
Genome position (GRCh38, 1-based): chr1:56,960,018, A>T on the plus strand (T>A on the coding strand, the complement: C8B is on the minus strand). VCF-style: chr1-56960018-A-T. GRCh37 (hg19) VCF-style: chr1-57425691-A-T.
Other names: c.-67+2T>A (NM_001278544.2); c.93+2T>A (NM_001278543.2).
Identifiers: ClinVar variation 2032703 (VCV002032703.4), dbSNP rs2522795281, ClinGen allele CA340511909.